The following is an entry in ClinVar:

NM_000939.4(POMC):c.416A>G (p.Tyr139Cys)

Gene: POMC (proopiomelanocortin; minus strand). Cytogenetic location: 2p23.3.
Variant type: single nucleotide variant.
Coding change: c.416A>G on transcript NM_000939.4 (MANE Select); coding-DNA position 416, A replaced by G.
Protein change: p.Tyr139Cys; replaces tyrosine 139 with cysteine.
Molecular consequence: missense variant.
Genome position (GRCh38, 1-based): chr2:25,161,469, T>C on the plus strand (A>G on the coding strand, the complement: POMC is on the minus strand). VCF-style: chr2-25161469-T-C. GRCh37 (hg19) VCF-style: chr2-25384338-T-C.
Other names: c.416A>G, p.Tyr139Cys (NM_001035256.3, NM_001319204.2, NM_001319205.2); short protein forms Y139C.
Identifiers: ClinVar variation 1810745 (VCV001810745.1), dbSNP rs1671363241, ClinGen allele CA346067110.

ClinVar aggregate classification (germline): Uncertain significance (1 of 4 stars; one submission).

Allele frequency attached by ClinVar (database versions not stated): gnomAD exomes below 0.00001.
gnomAD v4.1: 1 of 1,608,610 alleles (0.000062%); highest among the groups gnomAD compares: Non-Finnish European, 0.000085%; no homozygotes.

Submission:

GeneDx
Classification: Uncertain significance. Last evaluated: 2022-07-08. Review status: criteria provided, single submitter. Criteria: GeneDx Variant Classification Process June 2021. Collection method: clinical testing. Allele origin: germline. Affected: yes.
Comment: Not observed at significant frequency in large population cohorts (gnomAD); In silico analysis supports that this missense variant has a deleterious effect on protein structure/function; Has not been previously published as pathogenic or benign to our knowledge